The following is an entry in ClinVar:

NM_000091.5(COL4A3):c.933+4T>C

Genes: COL4A3 (collagen type IV alpha 3 chain; plus strand), MFF-DT (MFF divergent transcript; minus strand). Cytogenetic location: 2q36.3.
Variant type: single nucleotide variant.
Coding change: c.933+4T>C on transcript NM_000091.5 (MANE Select); 4 bases into the intron after coding-DNA position 933, T replaced by C.
Molecular consequence: intron variant.
Genome position (GRCh38, 1-based): chr2:227,256,074, T>C. VCF-style: chr2-227256074-T-C. GRCh37 (hg19) VCF-style: chr2-228120790-T-C.
Identifiers: ClinVar variation 2147238 (VCV002147238.1), dbSNP rs1303408997, ClinGen allele CA765686475.

ClinVar aggregate classification (germline): Uncertain significance (1 of 4 stars; one submission).

Allele frequency attached by ClinVar (database versions not stated): gnomAD 0.00001; gnomAD exomes 0.00001; TOPMed 0.00002.
gnomAD v4.1: 12 of 1,613,692 alleles (0.00074%); highest among the groups gnomAD compares: African/African-American, 0.004%; no homozygotes.

Submission:

Labcorp Genetics (formerly Invitae), Labcorp
Classification: Uncertain significance. Last evaluated: 2022-03-10. Review status: criteria provided, single submitter. Criteria: Invitae Variant Classification Sherloc (09022015). Collection method: clinical testing. Allele origin: germline.
Comment: This sequence change falls in intron 16 of the COL4A3 gene. It does not directly change the encoded amino acid sequence of the COL4A3 protein. It affects a nucleotide within the consensus splice site. This variant is not present in population databases (gnomAD no frequency). This variant has not been reported in the literature in individuals affected with COL4A3-related conditions. Variants that disrupt the consensus splice site are a relatively common cause of aberrant splicing (PMID: 17576681, 9536098). Algorithms developed to predict the effect of sequence changes on RNA splicing suggest that this variant may create or strengthen a splice site. In summary, the available evidence is currently insufficient to determine the role of this variant in disease. Therefore, it has been classified as a Variant of Uncertain Significance.

Literature cited by the submitters: PubMed 17576681; PubMed 9536098.